The following is an entry in ClinVar:

NM_001035.3(RYR2):c.4735G>C (p.Val1579Leu)

Gene: RYR2 (ryanodine receptor 2; plus strand). Cytogenetic location: 1q43.
Variant type: single nucleotide variant.
Coding change: c.4735G>C on transcript NM_001035.3 (MANE Select); coding-DNA position 4735, G replaced by C.
Protein change: p.Val1579Leu; replaces valine 1579 with leucine.
Molecular consequence: missense variant.
Genome position (GRCh38, 1-based): chr1:237,610,813, G>C. VCF-style: chr1-237610813-G-C. GRCh37 (hg19) VCF-style: chr1-237774113-G-C.
Other names: short protein forms V1579L.
Identifiers: ClinVar variation 925326 (VCV000925326.9), dbSNP rs763389778, ClinGen allele CA345402325.
Genomic context (GRCh38, chr1:237,610,813, plus strand): 5'-ATCCGCTAGAATGTGATGCCTCTCTCGGCGGGATTATTCAAGAGTGAGCACAAGAACCCC[G>C]TGCCGCAGTGCCCCCCGCGCCTCCACGTGCAGTTCCTGTCACACGTCCTGTGGAGCAGAA-3'
Protein context (NP_001026.2, residues 1569-1589): GLFKSEHKNP[Val1579Leu]PQCPPRLHVQ

ClinVar aggregate classification (germline): Uncertain significance. Review status: criteria provided, multiple submitters, no conflicts (2 of 4 stars). 2 submissions from 2 submitters: Uncertain significance (2). Last evaluated 2023-12-04.

Conditions:
Catecholaminergic polymorphic ventricular tachycardia 1. Also called: VENTRICULAR TACHYCARDIA, CATECHOLAMINERGIC POLYMORPHIC, 1, WITH OR WITHOUT ATRIAL DYSFUNCTION AND/OR DILATED CARDIOMYOPATHY; RYR2-Related Catecholaminergic Polymorphic Ventricular Tachycardia; VENTRICULAR TACHYCARDIA, STRESS-INDUCED POLYMORPHIC 1. Identifiers: Orphanet 3286, MedGen C1631597, MONDO:0011484, OMIM 604772.
Cardiomyopathy (CMYO). Also called: Cardiomyopathies. Identifiers: Orphanet 167848, MedGen C0878544, MONDO:0004994, HP:0001638. Inheritance: Various modes of inheritance.

Submissions (2):

Color Diagnostics, LLC DBA Color Health
Classification: Uncertain significance for Cardiomyopathy. Last evaluated: 2023-12-04. Review status: criteria provided, single submitter. Criteria: ACMG Guidelines, 2015. Collection method: clinical testing. Allele origin: germline.
Comment: Variant of Uncertain Significance due to insufficient evidence: This missense variant is located in the cytoplasmic domain of the RYR2 protein. Computational prediction tools and conservation analyses are inconclusive regarding the impact of this variant on the protein function. Computational splicing tools suggest that this variant may not impact RNA splicing. To our knowledge, functional assays have not been performed for this variant nor has this variant been reported in individuals affected with cardiovascular disorders in the literature. This variant is rare in the general population and has been identified in 0/277264 chromosomes by the Genome Aggregation Database (gnomAD). Available evidence is insufficient to determine the pathogenicity of this variant conclusively.

Labcorp Genetics (formerly Invitae), Labcorp
Classification: Uncertain significance for Catecholaminergic polymorphic ventricular tachycardia 1. Last evaluated: 2023-12-02. Review status: criteria provided, single submitter. Criteria: Invitae Variant Classification Sherloc (09022015). Collection method: clinical testing. Allele origin: germline.
Comment: This sequence change replaces valine, which is neutral and non-polar, with leucine, which is neutral and non-polar, at codon 1579 of the RYR2 protein (p.Val1579Leu). This variant is not present in population databases (gnomAD no frequency). This variant has not been reported in the literature in individuals affected with RYR2-related conditions. ClinVar contains an entry for this variant (Variation ID: 925326). Advanced modeling of protein sequence and biophysical properties (such as structural, functional, and spatial information, amino acid conservation, physicochemical variation, residue mobility, and thermodynamic stability) performed at Invitae indicates that this missense variant is not expected to disrupt RYR2 protein function with a negative predictive value of 95%. In summary, the available evidence is currently insufficient to determine the role of this variant in disease. Therefore, it has been classified as a Variant of Uncertain Significance.